The following is an entry in ClinVar:

ClinVar aggregate classification (germline): Uncertain significance (1 of 4 stars; one submission).

Conditions:
Brown-Vialetto-van Laere syndrome 1. Also called: BROWN-VIALETTO-VAN LAERE SYNDROME 1, MILD; BULBAR PALSY, PROGRESSIVE, WITH SENSORINEURAL DEAFNESS; PONTOBULBAR PALSY WITH DEAFNESS. Identifiers: Orphanet 572550, Orphanet 97229, MedGen C0796274, MONDO:0024537, OMIM 211530.

Allele frequency attached by ClinVar (database versions not stated): ExAC 0.00001; gnomAD 0.00001; gnomAD exomes 0.00001.
gnomAD v4.1: 7 of 1,611,180 alleles (0.00043%); highest among the groups gnomAD compares: East Asian, 0.0045%; no homozygotes.

Submission:

Labcorp Genetics (formerly Invitae), Labcorp
Classification: Uncertain significance for Brown-Vialetto-van Laere syndrome 1. Last evaluated: 2021-03-24. Review status: criteria provided, single submitter. Criteria: Invitae Variant Classification Sherloc (09022015). Collection method: clinical testing. Allele origin: germline.
Comment: In summary, the available evidence is currently insufficient to determine the role of this variant in disease. Therefore, it has been classified as a Variant of Uncertain Significance. Algorithms developed to predict the effect of missense changes on protein structure and function are either unavailable or do not agree on the potential impact of this missense change (SIFT: "Deleterious"; PolyPhen-2: "Possibly Damaging"; Align-GVGD: "Class C0"). This variant has not been reported in the literature in individuals with SLC52A3-related conditions. This variant is present in population databases (rs759031372, ExAC 0.01%). This sequence change replaces leucine with phenylalanine at codon 44 of the SLC52A3 protein (p.Leu44Phe). The leucine residue is highly conserved and there is a small physicochemical difference between leucine and phenylalanine.

NM_033409.4(SLC52A3):c.130C>T (p.Leu44Phe)

Gene: SLC52A3 (solute carrier family 52 member 3; minus strand). Cytogenetic location: 20p13.
Variant type: single nucleotide variant.
Coding change: c.130C>T on transcript NM_033409.4 (MANE Select); coding-DNA position 130, C replaced by T.
Protein change: p.Leu44Phe; replaces leucine 44 with phenylalanine.
Molecular consequence: missense variant.
Genome position (GRCh38, 1-based): chr20:765,645, G>A on the plus strand (C>T on the coding strand, the complement: SLC52A3 is on the minus strand). VCF-style: chr20-765645-G-A. GRCh37 (hg19) VCF-style: chr20-746289-G-A.
Other names: c.130C>T, p.Leu44Phe (NM_001370085.1, NM_001370086.1); short protein forms L44F.
Identifiers: ClinVar variation 1003149 (VCV001003149.9), dbSNP rs759031372, ClinGen allele CA9724828.